The following is an entry in ClinVar:

NM_020812.4(DOCK6):c.4204-17G>C

Genes: DOCK6 (dedicator of cytokinesis 6; minus strand), DOCK6-AS1 (DOCK6 antisense RNA 1; plus strand). Cytogenetic location: 19p13.2.
Variant type: single nucleotide variant.
Coding change: c.4204-17G>C on transcript NM_020812.4 (MANE Select); 17 bases into the intron before coding-DNA position 4204, G replaced by C.
Molecular consequence: intron variant.
Genome position (GRCh38, 1-based): chr19:11,214,426, C>G on the plus strand (G>C on the coding strand, the complement: DOCK6 is on the minus strand). VCF-style: chr19-11214426-C-G. GRCh37 (hg19) VCF-style: chr19-11325102-C-G.
Other names: c.4309-17G>C (NM_001367830.1).
Identifiers: ClinVar variation 1987612 (VCV001987612.1), dbSNP rs1007744718, ClinGen allele CA305311551.

ClinVar aggregate classification (germline): Uncertain significance (1 of 4 stars; one submission).

Allele frequency attached by ClinVar (database versions not stated): gnomAD exomes below 0.00001; TOPMed 0.00003; gnomAD 0.00004.
gnomAD v4.1: 12 of 1,613,448 alleles (0.00074%); highest among the groups gnomAD compares: African/African-American, 0.013%; no homozygotes.

Submission:

Labcorp Genetics (formerly Invitae), Labcorp
Classification: Uncertain significance. Last evaluated: 2022-03-14. Review status: criteria provided, single submitter. Criteria: Invitae Variant Classification Sherloc (09022015). Collection method: clinical testing. Allele origin: germline.
Comment: This sequence change falls in intron 33 of the DOCK6 gene. It does not directly change the encoded amino acid sequence of the DOCK6 protein. This variant is present in population databases (no rsID available, gnomAD 0.008%). This variant has not been reported in the literature in individuals affected with DOCK6-related conditions. Algorithms developed to predict the effect of sequence changes on RNA splicing suggest that this variant may disrupt the consensus splice site. In summary, the available evidence is currently insufficient to determine the role of this variant in disease. Therefore, it has been classified as a Variant of Uncertain Significance.